The following is an entry in ClinVar:

ClinVar aggregate classification (germline): Uncertain significance (1 of 4 stars; one submission).

Conditions:
Developmental and epileptic encephalopathy, 32 (DEE32). Also called: Epileptic encephalopathy, early infantile, 32. Identifiers: Orphanet 442835, MedGen C4225350, MONDO:0014607, OMIM 616366.

Submission:

Labcorp Genetics (formerly Invitae), Labcorp
Classification: Uncertain significance for Developmental and epileptic encephalopathy, 32. Last evaluated: 2024-08-28. Review status: criteria provided, single submitter. Criteria: Invitae Variant Classification Sherloc (09022015). Collection method: clinical testing. Allele origin: germline.
Comment: This sequence change replaces serine, which is neutral and polar, with phenylalanine, which is neutral and non-polar, at codon 169 of the KCNA2 protein (p.Ser169Phe). This variant is not present in population databases (gnomAD no frequency). This variant has not been reported in the literature in individuals affected with KCNA2-related conditions. Invitae Evidence Modeling of protein sequence and biophysical properties (such as structural, functional, and spatial information, amino acid conservation, physicochemical variation, residue mobility, and thermodynamic stability) indicates that this missense variant is expected to disrupt KCNA2 protein function with a positive predictive value of 80%. In summary, the available evidence is currently insufficient to determine the role of this variant in disease. Therefore, it has been classified as a Variant of Uncertain Significance.

NM_004974.4(KCNA2):c.506C>T (p.Ser169Phe)

Gene: KCNA2 (potassium voltage-gated channel subfamily A member 2; minus strand). Cytogenetic location: 1p13.3.
Variant type: single nucleotide variant.
Coding change: c.506C>T on transcript NM_004974.4 (MANE Select); coding-DNA position 506, C replaced by T.
Protein change: p.Ser169Phe; replaces serine 169 with phenylalanine.
Molecular consequence: missense variant.
Genome position (GRCh38, 1-based): chr1:110,604,277, G>A on the plus strand (C>T on the coding strand, the complement: KCNA2 is on the minus strand). VCF-style: chr1-110604277-G-A. GRCh37 (hg19) VCF-style: chr1-111146899-G-A.
Other names: c.506C>T, p.Ser169Phe (NM_001204269.2); short protein forms S169F.
Identifiers: ClinVar variation 3663610 (VCV003663610.2).